The following is an entry in ClinVar:

NM_144997.7(FLCN):c.356G>T (p.Ser119Ile)

Gene: FLCN (folliculin; minus strand). Cytogenetic location: 17p11.2.
Variant type: single nucleotide variant.
Coding change: c.356G>T on transcript NM_144997.7 (MANE Select); coding-DNA position 356, G replaced by T.
Protein change: p.Ser119Ile; replaces serine 119 with isoleucine.
Molecular consequence: missense variant.
Genome position (GRCh38, 1-based): chr17:17,226,216, C>A on the plus strand (G>T on the coding strand, the complement: FLCN is on the minus strand). VCF-style: chr17-17226216-C-A. GRCh37 (hg19) VCF-style: chr17-17129530-C-A.
Other names: c.356G>T, p.Ser119Ile (NM_001353229.2, NM_001353230.2, NM_001353231.2 and 1 more transcripts); short protein forms S119I.
Identifiers: ClinVar variation 2836886 (VCV002836886.3), dbSNP rs2145011006, ClinGen allele CA398534760.

ClinVar aggregate classification (germline): Uncertain significance (1 of 4 stars; one submission).

Conditions:
Birt-Hogg-Dube syndrome. Also called: Birt Hogg Dubé syndrome. Identifiers: Orphanet 122, MedGen C0346010, MONDO:0800444.

Submission:

Labcorp Genetics (formerly Invitae), Labcorp
Classification: Uncertain significance for Birt-Hogg-Dube syndrome. Last evaluated: 2023-02-14. Review status: criteria provided, single submitter. Criteria: Invitae Variant Classification Sherloc (09022015). Collection method: clinical testing. Allele origin: germline.
Comment: This sequence change replaces serine, which is neutral and polar, with isoleucine, which is neutral and non-polar, at codon 119 of the FLCN protein (p.Ser119Ile). This variant is not present in population databases (gnomAD no frequency). This variant has not been reported in the literature in individuals affected with FLCN-related conditions. Advanced modeling of protein sequence and biophysical properties (such as structural, functional, and spatial information, amino acid conservation, physicochemical variation, residue mobility, and thermodynamic stability) performed at Invitae indicates that this missense variant is not expected to disrupt FLCN protein function. In summary, the available evidence is currently insufficient to determine the role of this variant in disease. Therefore, it has been classified as a Variant of Uncertain Significance.